The following is an entry in ClinVar:

ClinVar aggregate classification (germline): Uncertain significance (1 of 4 stars; one submission).

Submission:

Ambry Genetics
Classification: Uncertain significance. Last evaluated: 2024-01-25. Review status: criteria provided, single submitter. Criteria: Ambry Variant Classification Scheme 2023. Collection method: clinical testing. Allele origin: germline.
Comment: The p.N773S variant (also known as c.2318A>G), located in coding exon 12 of the PALLD gene, results from an A to G substitution at nucleotide position 2318. The asparagine at codon 773 is replaced by serine, an amino acid with highly similar properties. This amino acid position is conserved. In addition, this alteration is predicted to be tolerated by in silico analysis. Based on the available evidence, the clinical significance of this alteration remains unclear.

NM_001166108.2(PALLD):c.2369A>G (p.Asn790Ser)

Genes: CBR4 (carbonyl reductase 4; minus strand), PALLD (palladin, cytoskeletal associated protein; plus strand). Cytogenetic location: 4q32.3.
Variant type: single nucleotide variant.
Coding change: c.2369A>G on transcript NM_001166108.2 (MANE Select); coding-DNA position 2369, A replaced by G.
Protein change: p.Asn790Ser; replaces asparagine 790 with serine.
Molecular consequence: missense variant.
Genome position (GRCh38, 1-based): chr4:168,898,611, A>G. VCF-style: chr4-168898611-A-G. GRCh37 (hg19) VCF-style: chr4-169819762-A-G.
Other names: c.1172A>G, p.Asn391Ser (NM_001166109.2); c.857A>G, p.Asn286Ser (NM_001166110.2); c.197A>G, p.Asn66Ser (NM_001367567.1, NM_001367569.1); c.248A>G, p.Asn83Ser (NM_001367568.1, NM_001367570.1); c.2318A>G, p.Asn773Ser (NM_016081.4); short protein forms N286S, N391S, N66S, N773S, N790S, N83S.
Identifiers: ClinVar variation 3226771 (VCV003226771.1), dbSNP rs2533734656, ClinGen allele CA358798977.
Genomic context (GRCh38, chr4:168,898,611, plus strand): 5'-AAAGGTCTCCTGTGGATGAATCAGGTGATGAAGTTCAGTATGGAGATGTGCCTGTGGAAA[A>G]TGGAATGGCACCATTCTTTGAGATGAAGCTGAAACATTACAAGATCTTTGAGGGAATGCC-3'
Protein context (NP_001159580.1, residues 780-800): EVQYGDVPVE[Asn790Ser]GMAPFFEMKL